The following is an entry in ClinVar:

ClinVar aggregate classification (germline): Uncertain significance (1 of 4 stars; one submission).

Conditions:
Glanzmann thrombasthenia. Also called: BLEEDING DISORDER, PLATELET-TYPE, 2; THROMBASTHENIA OF GLANZMANN AND NAEGELI; PLATELET GLYCOPROTEIN IIb-IIIa DEFICIENCY; Thrombasthenia; Glanzmann's thrombasthenia. Identifiers: Orphanet 849, MedGen C0040015, MONDO:0100326.

Submission:

Labcorp Genetics (formerly Invitae), Labcorp
Classification: Uncertain significance for Glanzmann thrombasthenia. Last evaluated: 2025-08-28. Review status: criteria provided, single submitter. Criteria: Invitae Variant Classification Sherloc (09022015). Collection method: clinical testing. Allele origin: germline.
Comment: This sequence change replaces valine, which is neutral and non-polar, with alanine, which is neutral and non-polar, at codon 656 of the ITGA2B protein (p.Val656Ala). This variant is present in population databases (no rsID available, gnomAD 0.007%). This variant has not been reported in the literature in individuals affected with ITGA2B-related conditions. Invitae Evidence Modeling of protein sequence and biophysical properties (such as structural, functional, and spatial information, amino acid conservation, physicochemical variation, residue mobility, and thermodynamic stability) has been performed for this missense variant. However, the output from this modeling did not meet the statistical confidence thresholds required to predict the impact of this variant on ITGA2B protein function. In summary, the available evidence is currently insufficient to determine the role of this variant in disease. Therefore, it has been classified as a Variant of Uncertain Significance.

NM_000419.5(ITGA2B):c.1967T>C (p.Val656Ala)

Gene: ITGA2B (integrin subunit alpha 2b; minus strand). Cytogenetic location: 17q21.31.
Variant type: single nucleotide variant.
Coding change: c.1967T>C on transcript NM_000419.5 (MANE Select); coding-DNA position 1967, T replaced by C.
Protein change: p.Val656Ala; replaces valine 656 with alanine.
Molecular consequence: missense variant.
Genome position (GRCh38, 1-based): chr17:44,378,489, A>G on the plus strand (T>C on the coding strand, the complement: ITGA2B is on the minus strand). VCF-style: chr17-44378489-A-G. GRCh37 (hg19) VCF-style: chr17-42455857-A-G.
Other names: short protein forms V656A.
Identifiers: ClinVar variation 4808591 (VCV004808591.1).